The following is an entry in ClinVar:

ClinVar aggregate classification (germline): Likely benign. Review status: criteria provided, multiple submitters, no conflicts (2 of 4 stars). 2 submissions from 2 submitters: Likely benign (2). Last evaluated 2026-10-01.

Conditions:
Saldino-Mainzer syndrome (SRTD9). Also called: short-rib thoracic dysplasia 9 with or without polydactyly; SHORT-RIB THORACIC DYSPLASIA 9 WITHOUT POLYDACTYLY; CONORENAL SYNDROME; Renal dysplasia, retinal pigmentary dystrophy, cerebellar ataxia and skeletal dysplasia. Identifiers: Orphanet 140969, MedGen C1849437, MONDO:0009964, OMIM 266920.

gnomAD v4.1: 26 of 1,613,990 alleles (0.0016%); highest among the groups gnomAD compares: South Asian, 0.011%; no homozygotes.

Submissions (2):

CeGaT Center for Human Genetics Tuebingen
Classification: Likely benign. Last evaluated: 2026-10-01. Review status: criteria provided, single submitter. Criteria: CeGaT Center For Human Genetics Tuebingen Variant Classification Criteria Version 2. Collection method: clinical testing. Allele origin: germline. Affected: yes. Observed: 1 variant allele.
Comment: IFT140: BP4, BP7

Labcorp Genetics (formerly Invitae), Labcorp
Classification: Likely benign for Saldino-Mainzer syndrome. Last evaluated: 2024-12-18. Review status: criteria provided, single submitter. Criteria: Invitae Variant Classification Sherloc (09022015). Collection method: clinical testing. Allele origin: germline.

NM_014714.4(IFT140):c.525C>T (p.Ser175=)

Genes: IFT140 (intraflagellar transport 140; minus strand), LOC105371046 (uncharacterized LOC105371046; plus strand). Cytogenetic location: 16p13.3.
Variant type: single nucleotide variant.
Coding change: c.525C>T on transcript NM_014714.4 (MANE Select); coding-DNA position 525, C replaced by T.
Protein change: p.Ser175=; no amino-acid change (serine 175 retained).
Molecular consequence: synonymous variant.
Genome position (GRCh38, 1-based): chr16:1,592,285, G>A on the plus strand (C>T on the coding strand, the complement: IFT140 is on the minus strand). VCF-style: chr16-1592285-G-A. GRCh37 (hg19) VCF-style: chr16-1642286-G-A.
Identifiers: ClinVar variation 1636188 (VCV001636188.9), dbSNP rs772378665, ClinGen allele CA7814665.